The following is an entry in ClinVar:

ClinVar aggregate classification (germline): Uncertain significance. Review status: criteria provided, multiple submitters, no conflicts (2 of 4 stars). 2 submissions from 2 submitters: Uncertain significance (2). Last evaluated 2022-02-16.

Conditions:
Dyskeratosis congenita. Identifiers: Orphanet 1775, MedGen C0265965, MONDO:0015780.

Allele frequency attached by ClinVar (database versions not stated): gnomAD exomes below 0.00001.
gnomAD v4.1: 4 of 1,614,094 alleles (0.00025%); highest among the groups gnomAD compares: Non-Finnish European, 0.00025%; no homozygotes.

Submissions (2):

Ambry Genetics
Classification: Uncertain significance for Dyskeratosis congenita. Last evaluated: 2022-02-16. Review status: criteria provided, single submitter. Criteria: Ambry Variant Classification Scheme 2023. Collection method: clinical testing. Allele origin: germline.
Comment: The p.D140N variant (also known as c.418G>A), located in coding exon 4 of the NHP2 gene, results from a G to A substitution at nucleotide position 418. The aspartic acid at codon 140 is replaced by asparagine, an amino acid with highly similar properties. This amino acid position is conserved. In addition, this alteration is predicted to be tolerated by in silico analysis. Since supporting evidence is limited at this time, the clinical significance of this alteration remains unclear.

Labcorp Genetics (formerly Invitae), Labcorp
Classification: Uncertain significance for Dyskeratosis congenita. Last evaluated: 2021-09-01. Review status: criteria provided, single submitter. Criteria: Invitae Variant Classification Sherloc (09022015). Collection method: clinical testing. Allele origin: germline.

NM_017838.4(NHP2):c.418G>A (p.Asp140Asn)

Genes: RMND5B (required for meiotic nuclear division 5 homolog B; plus strand), NHP2 (NHP2 ribonucleoprotein; minus strand). Cytogenetic location: 5q35.3.
Variant type: single nucleotide variant.
Coding change: c.418G>A on transcript NM_017838.4 (MANE Select); coding-DNA position 418, G replaced by A.
Protein change: p.Asp140Asn; replaces aspartic acid 140 with asparagine.
Molecular consequence: missense variant. On other transcripts: 3 prime UTR variant (5).
Genome position (GRCh38, 1-based): chr5:178,149,757, C>T on the plus strand (G>A on the coding strand, the complement: NHP2 is on the minus strand). VCF-style: chr5-178149757-C-T. GRCh37 (hg19) VCF-style: chr5-177576758-C-T.
Other names: c.*39G>A (NM_001034833.2, NM_001396110.1); c.*1725C>T (NM_001288794.2, NM_001288795.2, NM_022762.5); short protein forms D140N.
Identifiers: ClinVar variation 1026003 (VCV001026003.6), dbSNP rs1214412834, ClinGen allele CA362391007.